The following is an entry in ClinVar:

NM_001031689.3(PLAA):c.352C>A (p.Leu118Ile)

Gene: PLAA (phospholipase A2 activating protein; minus strand). Cytogenetic location: 9p21.2.
Variant type: single nucleotide variant.
Coding change: c.352C>A on transcript NM_001031689.3 (MANE Select); coding-DNA position 352, C replaced by A.
Protein change: p.Leu118Ile; replaces leucine 118 with isoleucine.
Molecular consequence: missense variant.
Genome position (GRCh38, 1-based): chr9:26,928,400, G>T on the plus strand (C>A on the coding strand, the complement: PLAA is on the minus strand). VCF-style: chr9-26928400-G-T. GRCh37 (hg19) VCF-style: chr9-26928398-G-T.
Other names: c.352C>A, p.Leu118Ile (NM_001321546.2); short protein forms L118I.
Identifiers: ClinVar variation 2914574 (VCV002914574.2), dbSNP rs373998160, ClinGen allele CA5014653.

ClinVar aggregate classification (germline): Uncertain significance (1 of 4 stars; one submission).

Allele frequency attached by ClinVar (database versions not stated): gnomAD 0.00001; TOPMed 0.00001; ESP Exome Variant Server 0.00008.
gnomAD v4.1: 14 of 1,601,506 alleles (0.00087%); highest among the groups gnomAD compares: Non-Finnish European, 0.0012%; no homozygotes.

Submission:

Labcorp Genetics (formerly Invitae), Labcorp
Classification: Uncertain significance. Last evaluated: 2023-01-20. Review status: criteria provided, single submitter. Criteria: Invitae Variant Classification Sherloc (09022015). Collection method: clinical testing. Allele origin: germline.
Comment: This variant is present in population databases (rs373998160, gnomAD 0.002%). This variant has not been reported in the literature in individuals affected with PLAA-related conditions. Advanced modeling of protein sequence and biophysical properties (such as structural, functional, and spatial information, amino acid conservation, physicochemical variation, residue mobility, and thermodynamic stability) performed at Invitae indicates that this missense variant is not expected to disrupt PLAA protein function. In summary, the available evidence is currently insufficient to determine the role of this variant in disease. Therefore, it has been classified as a Variant of Uncertain Significance. This sequence change replaces leucine, which is neutral and non-polar, with isoleucine, which is neutral and non-polar, at codon 118 of the PLAA protein (p.Leu118Ile).